The following is an entry in ClinVar:

ClinVar aggregate classification (germline): Uncertain significance (1 of 4 stars; one submission).

Conditions:
Cardiovascular phenotype. Identifiers: MedGen CN230736.

Submission:

Ambry Genetics
Classification: Uncertain significance for Cardiovascular phenotype. Last evaluated: 2026-05-20. Review status: criteria provided, single submitter. Criteria: Ambry Variant Classification Scheme 2023. Collection method: clinical testing. Allele origin: germline.
Comment: The p.M375I variant (also known as c.1125G>C), located in coding exon 7 of the SPRED1 gene, results from a G to C substitution at nucleotide position 1125. The methionine at codon 375 is replaced by isoleucine, an amino acid with highly similar properties. This amino acid position is conserved. In addition, the in silico prediction for this alteration is inconclusive. Based on the available evidence, the clinical significance of this variant remains unclear.

NM_152594.3(SPRED1):c.1125G>C (p.Met375Ile)

Gene: SPRED1 (sprouty related EVH1 domain containing 1; plus strand). Cytogenetic location: 15q14.
Variant type: single nucleotide variant.
Coding change: c.1125G>C on transcript NM_152594.3 (MANE Select); coding-DNA position 1125, G replaced by C.
Protein change: p.Met375Ile; replaces methionine 375 with isoleucine.
Molecular consequence: missense variant.
Genome position (GRCh38, 1-based): chr15:38,351,454, G>C. VCF-style: chr15-38351454-G-C. GRCh37 (hg19) VCF-style: chr15-38643655-G-C.
Other names: short protein forms M375I.
Identifiers: ClinVar variation 4865039 (VCV004865039.1).
Genomic context (GRCh38, chr15:38,351,454, plus strand): 5'-TCCAGACCCTATTAAAAGATGCATATATCAAGTTAGTTGCATGCTCTGTGCAGAGAGCAT[G>C]TTGTATCATTGTATGTCAGACTCAGAGGGAGATTTTTCTGATCCCTGTTCGTGTGACACT-3'
Protein context (NP_689807.1, residues 365-385): QVSCMLCAES[Met375Ile]LYHCMSDSEG